The following is an entry in ClinVar:

NM_001367823.1(ARHGEF18):c.1878C>A (p.Asp626Glu)

Gene: ARHGEF18 (Rho/Rac guanine nucleotide exchange factor 18; plus strand). Cytogenetic location: 19p13.2.
Variant type: single nucleotide variant.
Coding change: c.1878C>A on transcript NM_001367823.1 (MANE Select); coding-DNA position 1878, C replaced by A.
Protein change: p.Asp626Glu; replaces aspartic acid 626 with glutamic acid.
Molecular consequence: missense variant.
Genome position (GRCh38, 1-based): chr19:7,453,489, C>A. VCF-style: chr19-7453489-C-A. GRCh37 (hg19) VCF-style: chr19-7518375-C-A.
Other names: c.1152C>A, p.Asp384Glu (NM_001130955.2); c.840C>A, p.Asp280Glu (NM_001367824.1, NM_015318.4); short protein forms D280E, D384E, D626E.
Identifiers: ClinVar variation 935974 (VCV000935974.7), dbSNP rs190558437, ClinGen allele CA9136670.

ClinVar aggregate classification (germline): Uncertain significance (1 of 4 stars; one submission).

Allele frequency attached by ClinVar (database versions not stated): TOPMed 0.00002; gnomAD 0.00003 and 0.00004; ExAC 0.00010; gnomAD exomes 0.00011; 1000 Genomes Project 0.00040; 1000 Genomes Project 30x 0.00047.
gnomAD v4.1: 39 of 1,610,466 alleles (0.0024%); highest among the groups gnomAD compares: East Asian, 0.078%; no homozygotes.

Submission:

Labcorp Genetics (formerly Invitae), Labcorp
Classification: Uncertain significance. Last evaluated: 2022-07-25. Review status: criteria provided, single submitter. Criteria: Invitae Variant Classification Sherloc (09022015). Collection method: clinical testing. Allele origin: germline.
Comment: This sequence change replaces aspartic acid, which is acidic and polar, with glutamic acid, which is acidic and polar, at codon 438 of the ARHGEF18 protein (p.Asp438Glu). This variant is present in population databases (rs190558437, gnomAD 0.1%). This variant has not been reported in the literature in individuals affected with ARHGEF18-related conditions. ClinVar contains an entry for this variant (Variation ID: 935974). Algorithms developed to predict the effect of missense changes on protein structure and function (SIFT, PolyPhen-2, Align-GVGD) all suggest that this variant is likely to be tolerated. In summary, the available evidence is currently insufficient to determine the role of this variant in disease. Therefore, it has been classified as a Variant of Uncertain Significance.